The following is an entry in ClinVar:

NM_005121.3(MED13):c.5843A>G (p.Gln1948Arg)

Gene: MED13 (mediator complex subunit 13; minus strand). Cytogenetic location: 17q23.2.
Variant type: single nucleotide variant.
Coding change: c.5843A>G on transcript NM_005121.3 (MANE Select); coding-DNA position 5843, A replaced by G.
Protein change: p.Gln1948Arg; replaces glutamine 1948 with arginine.
Molecular consequence: missense variant.
Genome position (GRCh38, 1-based): chr17:61,955,507, T>C on the plus strand (A>G on the coding strand, the complement: MED13 is on the minus strand). VCF-style: chr17-61955507-T-C. GRCh37 (hg19) VCF-style: chr17-60032868-T-C.
Other names: short protein forms Q1948R.
Identifiers: ClinVar variation 3252624 (VCV003252624.2), dbSNP rs1453853535.

ClinVar aggregate classification (germline): Uncertain significance (1 of 4 stars; one submission).

gnomAD v4.1: 1 of 1,595,398 alleles (0.000063%); highest among the groups gnomAD compares: Non-Finnish European, 0.000085%; no homozygotes.

Submission:

GeneDx
Classification: Uncertain significance. Last evaluated: 2026-04-11. Review status: criteria provided, single submitter. Criteria: GeneDx Variant Classification Process June 2021. Collection method: clinical testing. Allele origin: germline.
Comment: Not observed at significant frequency in large population cohorts (gnomAD); In silico analysis supports that this missense variant has a deleterious effect on protein structure/function; Has not been previously published as pathogenic or benign to our knowledge